The following is an entry in ClinVar:

NM_000284.4(PDHA1):c.900-2A>G

Gene: PDHA1 (pyruvate dehydrogenase E1 subunit alpha 1; plus strand). Cytogenetic location: Xp22.12.
Variant type: single nucleotide variant.
Coding change: c.900-2A>G on transcript NM_000284.4 (MANE Select); the canonical splice acceptor site of the intron before coding-DNA position 900, A replaced by G.
Molecular consequence: splice acceptor variant.
Genome position (GRCh38, 1-based): chrX:19,358,914, A>G. VCF-style: chrX-19358914-A-G. GRCh37 (hg19) VCF-style: chrX-19377032-A-G.
Other names: c.1014-2A>G (NM_001173454.2); c.921-2A>G (NM_001173455.2); c.807-2A>G (NM_001173456.2).
Identifiers: ClinVar variation 452159 (VCV000452159.2), dbSNP rs1555935197, ClinGen allele CA412395986.

ClinVar aggregate classification (germline): Pathogenic (1 of 4 stars; one submission).

Submission:

GeneDx
Classification: Pathogenic. Last evaluated: 2017-09-18. Review status: criteria provided, single submitter. Criteria: GeneDx Variant Classification (06012015). Collection method: clinical testing. Allele origin: germline. Affected: yes.
Comment: The c.900-2A>G variant in the PDHA1 gene has not been reported previously as a pathogenic variant nor as a benign variant, to our knowledge. This splice site variant destroys the canonical splice acceptor site in intron 9. It is predicted to cause abnormal gene splicing, either leading to an abnormal message that is subject to nonsense-mediated mRNA decay, or to an abnormal protein product if the message is used for protein translation. The c.900-2A>G variant is not observed in large population cohorts (Lek et al., 2016; 1000 Genomes Consortium et al., 2015; Exome Variant Server). We interpret c.900-2A>G as a pathogenic variant.